The following is an entry in ClinVar:

ClinVar aggregate classification (germline): Likely benign (1 of 4 stars; one submission).

gnomAD v4.1: 3 of 1,595,260 alleles (0.00019%); highest among the groups gnomAD compares: African/African-American, 0.004%; no homozygotes.

Submission:

Women's Health and Genetics/Laboratory Corporation of America, LabCorp
Classification: Likely benign. Last evaluated: 2025-11-13. Review status: criteria provided, single submitter. Criteria: LabCorp Variant Classification Summary - May 2015. Collection method: clinical testing. Allele origin: germline.
Comment: Variant summary: MEFV c.1760-75G>A is located at a position not widely known to affect splicing. Consensus agreement among computation tools predict no significant impact on normal splicing. However, these predictions have yet to be confirmed by functional studies. The variant allele was found at a frequency of 4.7e-06 in 214456 control chromosomes. The available data on variant occurrences in the general population are insufficient to allow any conclusion about variant significance. To our knowledge, no occurrence of c.1760-75G>A in individuals affected with MEFV-related conditions and no experimental evidence demonstrating its impact on protein function have been reported. No submitters have cited clinical-significance assessments for this variant to ClinVar. Based on the evidence outlined above, the variant was classified as likely benign.

NM_000243.3(MEFV):c.1760-75G>A

Genes: MEFV (MEFV innate immunity regulator, pyrin; minus strand), LOC126862264 (CDK7 strongly-dependent group 2 enhancer GRCh37_chr16:3293322-3294521; plus strand). Cytogenetic location: 16p13.3.
Variant type: single nucleotide variant.
Coding change: c.1760-75G>A on transcript NM_000243.3 (MANE Select); 75 bases into the intron before coding-DNA position 1760, G replaced by A.
Molecular consequence: intron variant. On other transcripts: synonymous variant (1).
Genome position (GRCh38, 1-based): chr16:3,243,967, C>T on the plus strand (G>A on the coding strand, the complement: MEFV is on the minus strand). VCF-style: chr16-3243967-C-T. GRCh37 (hg19) VCF-style: chr16-3293967-C-T.
Other names: c.1227G>A, p.Leu409= (NM_001198536.2).
Identifiers: ClinVar variation 4536761 (VCV004536761.1).